The following is an entry in ClinVar:

ClinVar aggregate classification (germline): Benign. Review status: criteria provided, multiple submitters, no conflicts (2 of 4 stars). 5 submissions from 5 submitters: Benign (4). 1 of the submissions does not count toward it. Last evaluated 2026-10-01.

Conditions:
PMP2-related disorder. Also called: PMP2-related condition.

Allele frequency attached by ClinVar (database versions not stated): 1000 Genomes Project 0.00439; 1000 Genomes Project 30x 0.00468; gnomAD 0.00653 and 0.00677; ExAC 0.00676; gnomAD exomes 0.00697 and 0.00840; TOPMed 0.00751; ESP Exome Variant Server 0.00830.
gnomAD v4.1: 13,238 of 1,613,836 alleles (0.82%); highest among the groups gnomAD compares: Middle Eastern, 1.9%; 57 homozygotes.

Submissions (5):

CeGaT Center for Human Genetics Tuebingen
Classification: Benign. Last evaluated: 2026-10-01. Review status: criteria provided, single submitter. Criteria: CeGaT Center For Human Genetics Tuebingen Variant Classification Criteria Version 2. Collection method: clinical testing. Allele origin: germline. Affected: yes. Observed: 29 variant alleles.
Comment: PMP2: BS1, BS2

Labcorp Genetics (formerly Invitae), Labcorp
Classification: Benign. Last evaluated: 2026-02-01. Review status: criteria provided, single submitter. Criteria: Invitae Variant Classification Sherloc (09022015). Collection method: clinical testing. Allele origin: germline.

Mayo Clinic Laboratories, Mayo Clinic
Classification: Benign. Last evaluated: 2022-12-23. Review status: criteria provided, single submitter. Criteria: ACMG Guidelines, 2015. Collection method: clinical testing. Allele origin: germline. Observed: 22 variant alleles.
Comment: BS1, BS2

Breakthrough Genomics
Classification: Benign. Review status: criteria provided, single submitter. Criteria: ACMG Guidelines, 2015. Collection method: not provided. Allele origin: germline. Inheritance: Autosomal dominant inheritance. Affected: yes.

PreventionGenetics, part of Exact Sciences
Classification: Benign for PMP2-related condition. Last evaluated: 2019-06-05. Review status: no assertion criteria provided. Collection method: clinical testing. Allele origin: germline. Not counted in ClinVar's aggregate classification.
Comment: This variant is classified as benign based on ACMG/AMP sequence variant interpretation guidelines (Richards et al. 2015 PMID: 25741868, with internal and published modifications).

NM_002677.5(PMP2):c.149T>C (p.Ile50Thr)

Gene: PMP2 (peripheral myelin protein 2; minus strand). Cytogenetic location: 8q21.13.
Variant type: single nucleotide variant.
Coding change: c.149T>C on transcript NM_002677.5 (MANE Select); coding-DNA position 149, T replaced by C.
Protein change: p.Ile50Thr; replaces isoleucine 50 with threonine.
Molecular consequence: missense variant. On other transcripts: intron variant (1).
Genome position (GRCh38, 1-based): chr8:81,444,914, A>G on the plus strand (T>C on the coding strand, the complement: PMP2 is on the minus strand). VCF-style: chr8-81444914-A-G. GRCh37 (hg19) VCF-style: chr8-82357149-A-G.
Other names: p.Ile50Thr; c.74-313T>C (NM_001348381.2); short protein forms I50T.
Identifiers: ClinVar variation 711896 (VCV000711896.41), dbSNP rs113226355, ClinGen allele CA4791971.